The following is an entry in ClinVar:

ClinVar aggregate classification (germline): Uncertain significance (1 of 4 stars; one submission).

Conditions:
SEMA3C-related disorder. Also called: SEMA3C-related condition.

Submission:

PreventionGenetics, part of Exact Sciences
Classification: Uncertain significance for SEMA3C-related condition. Last evaluated: 2025-04-10. Review status: criteria provided, single submitter. Criteria: ACMG Guidelines, 2015. Collection method: clinical testing. Allele origin: germline.
Comment: The SEMA3C c.2282A>C variant is predicted to result in the amino acid substitution p.Asn761Thr. To our knowledge, this variant has not been reported in the literature or in a large population database (gnomAD), indicating this variant is rare. At this time, the clinical significance of this variant is uncertain due to the absence of conclusive functional and genetic evidence.

NM_006379.5(SEMA3C):c.2228A>C (p.Asn743Thr)

Gene: SEMA3C (semaphorin 3C; minus strand). Cytogenetic location: 7q21.11.
Variant type: single nucleotide variant.
Coding change: c.2228A>C on transcript NM_006379.5 (MANE Select); coding-DNA position 2228, A replaced by C.
Protein change: p.Asn743Thr; replaces asparagine 743 with threonine.
Molecular consequence: missense variant.
Genome position (GRCh38, 1-based): chr7:80,744,922, T>G on the plus strand (A>C on the coding strand, the complement: SEMA3C is on the minus strand). VCF-style: chr7-80744922-T-G. GRCh37 (hg19) VCF-style: chr7-80374238-T-G.
Other names: c.2282A>C, p.Asn761Thr (NM_001350120.2); c.2054A>C, p.Asn685Thr (NM_001350121.2); short protein forms N685T, N743T, N761T.
Identifiers: ClinVar variation 4998127 (VCV004998127.1).